The following is an entry in ClinVar:

NM_152703.5(SAMD9L):c.4264C>G (p.Gln1422Glu)

Gene: SAMD9L (sterile alpha motif domain containing 9 like; minus strand). Cytogenetic location: 7q21.2.
Variant type: single nucleotide variant.
Coding change: c.4264C>G on transcript NM_152703.5 (MANE Select); coding-DNA position 4264, C replaced by G.
Protein change: p.Gln1422Glu; replaces glutamine 1422 with glutamic acid.
Molecular consequence: missense variant.
Genome position (GRCh38, 1-based): chr7:93,131,708, G>C on the plus strand (C>G on the coding strand, the complement: SAMD9L is on the minus strand). VCF-style: chr7-93131708-G-C. GRCh37 (hg19) VCF-style: chr7-92761021-G-C.
Other names: c.4264C>G, p.Gln1422Glu (NM_001303496.3, NM_001303497.3, NM_001303498.3 and 5 more transcripts); short protein forms Q1422E.
Identifiers: ClinVar variation 4159446 (VCV004159446.1).

ClinVar aggregate classification (germline): Uncertain significance (1 of 4 stars; one submission).

Conditions:
Inborn genetic diseases. Identifiers: MedGen C0950123, MeSH D030342.

gnomAD v4.1: 1 of 1,613,770 alleles (0.000062%); highest among the groups gnomAD compares: East Asian, 0.0022%; no homozygotes.

Submission:

Ambry Genetics
Classification: Uncertain significance for Inborn genetic diseases. Last evaluated: 2025-08-30. Review status: criteria provided, single submitter. Criteria: Ambry Variant Classification Scheme 2023. Collection method: clinical testing. Allele origin: germline.
Comment: The p.Q1422E variant (also known as c.4264C>G), located in coding exon 1 of the SAMD9L gene, results from a C to G substitution at nucleotide position 4264. The glutamine at codon 1422 is replaced by glutamic acid, an amino acid with highly similar properties. This amino acid position is conserved. In addition, this alteration is predicted to be tolerated by in silico analysis. Based on the available evidence, the clinical significance of this variant remains unclear.